The following is an entry in ClinVar:

NM_013436.5(NCKAP1):c.1795T>G (p.Cys599Gly)

Gene: NCKAP1 (NCK associated protein 1; minus strand). Cytogenetic location: 2q32.1.
Variant type: single nucleotide variant.
Coding change: c.1795T>G on transcript NM_013436.5 (MANE Select); coding-DNA position 1795, T replaced by G.
Protein change: p.Cys599Gly; replaces cysteine 599 with glycine.
Molecular consequence: missense variant.
Genome position (GRCh38, 1-based): chr2:182,962,245, A>C on the plus strand (T>G on the coding strand, the complement: NCKAP1 is on the minus strand). VCF-style: chr2-182962245-A-C. GRCh37 (hg19) VCF-style: chr2-183826973-A-C.
Other names: c.1789T>G, p.Cys597Gly (NM_001437266.1); c.1807T>G, p.Cys603Gly (NM_001437267.1); c.1813T>G, p.Cys605Gly (NM_205842.3); short protein forms C597G, C599G, C603G, C605G.
Identifiers: ClinVar variation 4689852 (VCV004689852.1).

ClinVar aggregate classification (germline): Uncertain significance (1 of 4 stars; one submission).

Submission:

GeneDx
Classification: Uncertain significance. Last evaluated: 2025-07-30. Review status: criteria provided, single submitter. Criteria: GeneDx Variant Classification Process June 2021. Collection method: clinical testing. Allele origin: germline. Affected: yes.
Comment: Not observed at significant frequency in large population cohorts (gnomAD); In silico analysis supports that this missense variant has a deleterious effect on protein structure/function; Has not been previously published as pathogenic or benign to our knowledge